The following is an entry in ClinVar:

NM_001267550.2(TTN):c.19993+5G>A

Genes: TTN (titin; minus strand), LOC126806429 (BRD4-independent group 4 enhancer GRCh37_chr2:179591393-179592592; plus strand). Cytogenetic location: 2q31.2.
Variant type: single nucleotide variant.
Coding change: c.19993+5G>A on transcript NM_001267550.2 (MANE Select); 5 bases into the intron after coding-DNA position 19993, G replaced by A.
Molecular consequence: intron variant.
Genome position (GRCh38, 1-based): chr2:178,727,580, C>T on the plus strand (G>A on the coding strand, the complement: TTN is on the minus strand). VCF-style: chr2-178727580-C-T. GRCh37 (hg19) VCF-style: chr2-179592307-C-T.
Other names: c.13282+10502G>A (NM_003319.4); c.13858+10502G>A (NM_133437.4); c.13657+10502G>A (NM_133432.3); c.16261+5G>A (NM_133378.4); c.19042+5G>A (NM_001256850.1).
Identifiers: ClinVar variation 861855 (VCV000861855.7), dbSNP rs907914759, ClinGen allele CA60976670.

ClinVar aggregate classification (germline): Uncertain significance (1 of 4 stars; one submission).

Conditions:
Dilated cardiomyopathy 1G (CMD1G). Identifiers: Orphanet 154, MedGen C1858763, MONDO:0011400, OMIM 604145.
Autosomal recessive limb-girdle muscular dystrophy type 2J (LGMDR10). Also called: Limb-girdle muscular dystrophy, type 2J; MUSCULAR DYSTROPHY, LIMB-GIRDLE, AUTOSOMAL RECESSIVE 10. Identifiers: Orphanet 140922, MedGen C1837342, MONDO:0012127, OMIM 608807.

Allele frequency attached by ClinVar (database versions not stated): gnomAD exomes below 0.00001; TOPMed 0.00004.
gnomAD v4.1: 2 of 1,551,064 alleles (0.00013%); highest among the groups gnomAD compares: Non-Finnish European, 0.00017%; no homozygotes.

Submission:

Labcorp Genetics (formerly Invitae), Labcorp
Classification: Uncertain significance for Dilated cardiomyopathy 1G; Autosomal recessive limb-girdle muscular dystrophy type 2J. Last evaluated: 2022-07-19. Review status: criteria provided, single submitter. Criteria: Invitae Variant Classification Sherloc (09022015). Collection method: clinical testing. Allele origin: germline.
Comment: This sequence change falls in intron 68 of the TTN gene. It does not directly change the encoded amino acid sequence of the TTN protein. It affects a nucleotide within the consensus splice site. This variant is not present in population databases (gnomAD no frequency). This variant has not been reported in the literature in individuals affected with TTN-related conditions. ClinVar contains an entry for this variant (Variation ID: 861855). Variants that disrupt the consensus splice site are a relatively common cause of aberrant splicing (PMID: 17576681, 9536098). Algorithms developed to predict the effect of sequence changes on RNA splicing suggest that this variant may disrupt the consensus splice site. This variant is located in the I band of TTN (PMID: 25589632). Variants in this region may be clinically relevant, but have not been definitively shown to cause cardiomyopathy or neuromuscular disease (PMID: 27493940, 32778822). In summary, the available evidence is currently insufficient to determine the role of this variant in disease. Therefore, it has been classified as a Variant of Uncertain Significance.

Literature cited by the submitters: PubMed 17576681; PubMed 9536098; PubMed 25589632; PubMed 27493940; PubMed 32778822.